The following is an entry in ClinVar:

ClinVar aggregate classification (germline): Uncertain significance. Review status: criteria provided, multiple submitters, no conflicts (2 of 4 stars). 2 submissions from 2 submitters: Uncertain significance (2). Last evaluated 2023-10-15.

Conditions:
Familial sleep-related hypermotor epilepsy. Also called: Autosomal Dominant Sleep-Related Hypermotor (Hyperkinetic) Epilepsy. Identifiers: Orphanet 98784, MedGen C3696898, MONDO:0000030.

Submissions (2):

GeneDx
Classification: Uncertain significance. Last evaluated: 2023-10-15. Review status: criteria provided, single submitter. Criteria: GeneDx Variant Classification Process June 2021. Collection method: clinical testing. Allele origin: germline. Affected: yes.
Comment: Not observed at significant frequency in large population cohorts (gnomAD); In silico analysis supports that this missense variant has a deleterious effect on protein structure/function; Has not been previously published as pathogenic or benign to our knowledge

Labcorp Genetics (formerly Invitae), Labcorp
Classification: Uncertain significance. Last evaluated: 2020-09-15. Review status: criteria provided, single submitter. Criteria: Invitae Variant Classification Sherloc (09022015). Collection method: clinical testing. Allele origin: germline.
Comment: This variant is not present in population databases (ExAC no frequency). This sequence change replaces proline with leucine at codon 383 of the CHRNA2 protein (p.Pro383Leu). The proline residue is highly conserved and there is a moderate physicochemical difference between proline and leucine. In summary, the available evidence is currently insufficient to determine the role of this variant in disease. Therefore, it has been classified as a Variant of Uncertain Significance. Advanced modeling of protein sequence and biophysical properties (such as structural, functional, and spatial information, amino acid conservation, physicochemical variation, residue mobility, and thermodynamic stability) performed at Invitae indicates that this missense variant is not expected to disrupt CHRNA2 protein function. This variant has not been reported in the literature in individuals with CHRNA2-related conditions. ClinVar contains an entry for this variant (Variation ID: 204971).

NM_000742.4(CHRNA2):c.1148C>T (p.Pro383Leu)

Gene: CHRNA2 (cholinergic receptor nicotinic alpha 2 subunit; minus strand). Cytogenetic location: 8p21.2.
Variant type: single nucleotide variant.
Coding change: c.1148C>T on transcript NM_000742.4 (MANE Select); coding-DNA position 1148, C replaced by T.
Protein change: p.Pro383Leu; replaces proline 383 with leucine.
Molecular consequence: missense variant.
Genome position (GRCh38, 1-based): chr8:27,463,295, G>A on the plus strand (C>T on the coding strand, the complement: CHRNA2 is on the minus strand). VCF-style: chr8-27463295-G-A. GRCh37 (hg19) VCF-style: chr8-27320812-G-A.
Other names: p.P383L:CCC>CTC; c.1103C>T, p.Pro368Leu (NM_001282455.2); c.671C>T, p.Pro224Leu (NM_001347705.2, NM_001347706.2); c.554C>T, p.Pro185Leu (NM_001347707.2, NM_001347708.2); short protein forms P383L, P185L, P368L, P224L.
Identifiers: ClinVar variation 204971 (VCV000204971.8), dbSNP rs796052302, ClinGen allele CA313464.